The following is an entry in ClinVar:

ClinVar aggregate classification (germline): Uncertain significance (1 of 4 stars; one submission).

Allele frequency attached by ClinVar (database versions not stated): TOPMed below 0.00001.

Submission:

Ambry Genetics
Classification: Uncertain significance. Last evaluated: 2022-05-21. Review status: criteria provided, single submitter. Criteria: Ambry Variant Classification Scheme 2023. Collection method: clinical testing. Allele origin: germline.
Comment: The p.T658A variant (also known as c.1972A>G), located in coding exon 18 of the PRKDC gene, results from an A to G substitution at nucleotide position 1972. The threonine at codon 658 is replaced by alanine, an amino acid with similar properties. This amino acid position is conserved. In addition, this alteration is predicted to be tolerated by in silico analysis. Since supporting evidence is limited at this time, the clinical significance of this alteration remains unclear.

NM_006904.7(PRKDC):c.1972A>G (p.Thr658Ala)

Gene: PRKDC (protein kinase, DNA-activated, catalytic subunit; minus strand). Cytogenetic location: 8q11.21.
Variant type: single nucleotide variant.
Coding change: c.1972A>G on transcript NM_006904.7 (MANE Select); coding-DNA position 1972, A replaced by G.
Protein change: p.Thr658Ala; replaces threonine 658 with alanine.
Molecular consequence: missense variant.
Genome position (GRCh38, 1-based): chr8:47,929,933, T>C on the plus strand (A>G on the coding strand, the complement: PRKDC is on the minus strand). VCF-style: chr8-47929933-T-C. GRCh37 (hg19) VCF-style: chr8-48842493-T-C.
Other names: c.1972A>G, p.Thr658Ala (NM_001081640.2); short protein forms T658A.
Identifiers: ClinVar variation 1783643 (VCV001783643.2), dbSNP rs1374354910, ClinGen allele CA371164246.